The following is an entry in ClinVar:

NM_004385.5(VCAN):c.*1031T>C

Gene: VCAN (versican; plus strand). Cytogenetic location: 5q14.3.
Variant type: single nucleotide variant.
Coding change: c.*1031T>C on transcript NM_004385.5 (MANE Select); 1031 bases downstream of the stop codon, T replaced by C.
Molecular consequence: 3 prime UTR variant.
Genome position (GRCh38, 1-based): chr5:83,581,465, T>C. VCF-style: chr5-83581465-T-C. GRCh37 (hg19) VCF-style: chr5-82877284-T-C.
Other names: c.*1031T>C (NM_001126336.3, NM_001164097.2, NM_001164098.2).
Identifiers: ClinVar variation 354488 (VCV000354488.6), dbSNP rs548595991, ClinGen allele CA10620926.
Genomic context (GRCh38, chr5:83,581,465, plus strand): 5'-CTGCAGCTGTGAAGCATACATAAATAAATGAAGTAAGCCATACTGATTTAATTTATTGGA[T>C]GTTATTTTCCCTAAGACCTGAAAATGAACATAGTATGCTAGTTATTTTTCAGTGTTAGCC-3'

ClinVar aggregate classification (germline): Benign (1 of 4 stars; one submission).

Conditions:
Vitreoretinopathy. Also called: Vitreoretinal degeneration. Identifiers: MedGen C0344290, MONDO:0020248, HP:0007773.

Allele frequency attached by ClinVar (database versions not stated): 1000 Genomes Project 0.00100; 1000 Genomes Project 30x 0.00141; gnomAD 0.00257 and 0.00264; TOPMed 0.00257.

Submission:

Illumina Laboratory Services, Illumina
Classification: Benign for Vitreoretinopathy. Last evaluated: 2018-01-13. Review status: criteria provided, single submitter. Criteria: ICSL Variant Classification Criteria 13 December 2019. Collection method: clinical testing. Allele origin: germline.
Comment: This variant was observed in the ICSL laboratory as part of a predisposition screen in an ostensibly healthy population. It had not been previously curated by ICSL or reported in the Human Gene Mutation Database (HGMD: prior to June 1st, 2018), and was therefore a candidate for classification through an automated scoring system. Utilizing variant allele frequency, disease prevalence and penetrance estimates, and inheritance mode, an automated score was calculated to assess if this variant is too frequent to cause the disease. Based on the score and internal cut-off values, a variant classified as benign is not then subjected to further curation. The score for this variant resulted in a classification of benign for this disease.